The following is an entry in ClinVar:

ClinVar aggregate classification (germline): Uncertain significance (1 of 4 stars; one submission).

Conditions:
Hereditary spastic paraplegia 47. Also called: Spastic paraplegia 47, autosomal recessive; CEREBRAL PALSY, SPASTIC QUADRIPLEGIC, 5; adaptor protein 4 (AP-4) deficiency syndrome. Identifiers: Orphanet 280763, MedGen C3279738, MONDO:0013551, OMIM 614066.

Allele frequency attached by ClinVar (database versions not stated): ExAC 0.00001; TOPMed 0.00003.

Submission:

Labcorp Genetics (formerly Invitae), Labcorp
Classification: Uncertain significance for Hereditary spastic paraplegia 47. Last evaluated: 2022-05-12. Review status: criteria provided, single submitter. Criteria: Invitae Variant Classification Sherloc (09022015). Collection method: clinical testing. Allele origin: germline.
Comment: In summary, the available evidence is currently insufficient to determine the role of this variant in disease. Therefore, it has been classified as a Variant of Uncertain Significance. Variants that disrupt the consensus splice site are a relatively common cause of aberrant splicing (PMID: 17576681, 9536098). Algorithms developed to predict the effect of sequence changes on RNA splicing suggest that this variant may disrupt the consensus splice site. Algorithms developed to predict the effect of missense changes on protein structure and function are either unavailable or do not agree on the potential impact of this missense change (SIFT: "Deleterious"; PolyPhen-2: "Probably Damaging"; Align-GVGD: "Class C0"). This variant has not been reported in the literature in individuals affected with AP4B1-related conditions. This variant is present in population databases (rs772240184, gnomAD 0.02%). This sequence change replaces arginine, which is basic and polar, with threonine, which is neutral and polar, at codon 38 of the AP4B1 protein (p.Arg38Thr). This variant also falls at the last nucleotide of exon 2, which is part of the consensus splice site for this exon.

Literature cited by the submitters: PubMed 17576681; PubMed 9536098.

NM_001253852.3(AP4B1):c.113G>C (p.Arg38Thr)

Genes: AP4B1 (adaptor related protein complex 4 subunit beta 1; minus strand), LOC129931235 (ATAC-STARR-seq lymphoblastoid active region 1540; plus strand). Cytogenetic location: 1p13.2.
Variant type: single nucleotide variant.
Coding change: c.113G>C on transcript NM_001253852.3 (MANE Select); coding-DNA position 113, G replaced by C.
Protein change: p.Arg38Thr; replaces arginine 38 with threonine.
Molecular consequence: missense variant. On other transcripts: 5 prime UTR variant (1).
Genome position (GRCh38, 1-based): chr1:113,904,605, C>G on the plus strand (G>C on the coding strand, the complement: AP4B1 is on the minus strand). VCF-style: chr1-113904605-C-G. GRCh37 (hg19) VCF-style: chr1-114447227-C-G.
Other names: c.-57G>C (NM_001253853.3); c.113G>C, p.Arg38Thr (NM_001308312.2, NM_006594.5); short protein forms R38T.
Identifiers: ClinVar variation 2183259 (VCV002183259.4), dbSNP rs772240184, ClinGen allele CA1016204.